The following is an entry in ClinVar:

ClinVar aggregate classification (germline): Uncertain significance (1 of 4 stars; one submission).

Conditions:
Symmetrical dyschromatosis of extremities (DSH). Also called: RETICULATE ACROPIGMENTATION OF DOHI; SYMMETRIC DYSCHROMATOSIS OF THE EXTREMITIES; DYSCHROMATOSIS SYMMETRICA HEREDITARIA 1; Dyschromatosis symmetrica hereditaria. Identifiers: Orphanet 41, MedGen C0406775, MONDO:0007483, OMIM 127400.
Aicardi-Goutieres syndrome 6 (AGS6). Identifiers: Orphanet 51, MedGen C3539013, MONDO:0014007, OMIM 615010.

Allele frequency attached by ClinVar (database versions not stated): gnomAD exomes 0.00001; gnomAD 0.00001.
gnomAD v4.1: 9 of 1,613,746 alleles (0.00056%); highest among the groups gnomAD compares: East Asian, 0.0045%; no homozygotes.

Submission:

Labcorp Genetics (formerly Invitae), Labcorp
Classification: Uncertain significance for Aicardi-Goutieres syndrome 6; Symmetrical dyschromatosis of extremities. Last evaluated: 2025-06-11. Review status: criteria provided, single submitter. Criteria: Invitae Variant Classification Sherloc (09022015). Collection method: clinical testing. Allele origin: germline.
Comment: This sequence change replaces serine, which is neutral and polar, with leucine, which is neutral and non-polar, at codon 112 of the ADAR protein (p.Ser112Leu). This variant is not present in population databases (gnomAD no frequency). This variant has not been reported in the literature in individuals affected with ADAR-related conditions. ClinVar contains an entry for this variant (Variation ID: 2944519). An algorithm developed to predict the effect of missense changes on protein structure and function outputs the following: PolyPhen-2: "Benign". The leucine amino acid residue is found in multiple mammalian species, which suggests that this missense change does not adversely affect protein function. In summary, the available evidence is currently insufficient to determine the role of this variant in disease. Therefore, it has been classified as a Variant of Uncertain Significance.

NM_001111.5(ADAR):c.335C>T (p.Ser112Leu)

Gene: ADAR (adenosine deaminase RNA specific; minus strand). Cytogenetic location: 1q21.3.
Variant type: single nucleotide variant.
Coding change: c.335C>T on transcript NM_001111.5 (MANE Select); coding-DNA position 335, C replaced by T.
Protein change: p.Ser112Leu; replaces serine 112 with leucine.
Molecular consequence: missense variant. On other transcripts: 5 prime UTR variant (3), intron variant (3).
Genome position (GRCh38, 1-based): chr1:154,602,307, G>A on the plus strand (C>T on the coding strand, the complement: ADAR is on the minus strand). VCF-style: chr1-154602307-G-A. GRCh37 (hg19) VCF-style: chr1-154574783-G-A.
Other names: c.-551C>T (NM_001025107.3, NM_001193495.2, NM_001365048.1); c.362C>T, p.Ser121Leu (NM_001365045.1); c.335C>T, p.Ser112Leu (NM_015840.4, NM_015841.4); c.-492-59C>T (NM_001365046.1, NM_001365049.1, NM_001365047.1); short protein forms S121L, S112L.
Identifiers: ClinVar variation 2944519 (VCV002944519.3), dbSNP rs1571111897, ClinGen allele CA342604169.
Genomic context (GRCh38, chr1:154,602,307, plus strand): 5'-TCCTGGAAATGTGAGGAAAGGCAATCAACACCTCTCTGTGGCAGACTCCTGCCACGTGGT[G>A]AAGGATGCTGGAACCCTCTCTGGAGCCCCTGACTTCTGAGATGCACGCCCCTGGGGACAC-3'
Protein context (NP_001102.3, residues 102-122): QGLQRGFQHP[Ser112Leu]PRGRSLPQRG